The following is an entry in ClinVar:

NM_001267550.2(TTN):c.85130T>C (p.Ile28377Thr)

Genes: TTN (titin; minus strand), TTN-AS1 (TTN antisense RNA 1; plus strand). Cytogenetic location: 2q31.2.
Variant type: single nucleotide variant.
Coding change: c.85130T>C on transcript NM_001267550.2 (MANE Select); coding-DNA position 85130, T replaced by C.
Protein change: p.Ile28377Thr; replaces isoleucine 28377 with threonine.
Molecular consequence: missense variant.
Genome position (GRCh38, 1-based): chr2:178,561,002, A>G on the plus strand (T>C on the coding strand, the complement: TTN is on the minus strand). VCF-style: chr2-178561002-A-G. GRCh37 (hg19) VCF-style: chr2-179425729-A-G.
Other names: c.80207T>C, p.Ile26736Thr (NM_001256850.1); c.57935T>C, p.Ile19312Thr (NM_003319.4); c.58310T>C, p.Ile19437Thr (NM_133432.3); c.58511T>C, p.Ile19504Thr (NM_133437.4); c.77426T>C, p.Ile25809Thr (NM_133378.4); short protein forms I25809T, I28377T, I19504T, I26736T, I19312T, I19437T.
Identifiers: ClinVar variation 229534 (VCV000229534.5), dbSNP rs876658089, ClinGen allele CA10576470.
Genomic context (GRCh38, chr2:178,561,002, plus strand): 5'-TCTATACCATCCTTGGCCCAGGAAATTACTGGCAGAGGTCGCCCTGCAATGTCTGCATTT[A>G]TCTTAAGGACCTCTCCAGCTTTGACAACAATAACGTCTCGGAACTTGACATCCATCATAA-3'
Protein context (NP_001254479.2, residues 28367-28387): IVVKAGEVLK[Ile28377Thr]NADIAGRPLP

ClinVar aggregate classification (germline): Uncertain significance (1 of 4 stars; one submission).

Allele frequency attached by ClinVar (database versions not stated): gnomAD 0.00001 and 0.00003; gnomAD exomes below 0.00001.
gnomAD v4.1: 4 of 1,613,720 alleles (0.00025%); highest among the groups gnomAD compares: East Asian, 0.0067%; no homozygotes.

Submission:

Laboratory for Molecular Medicine, Mass General Brigham Personalized Medicine
Classification: Uncertain significance. Last evaluated: 2015-04-13. Review status: criteria provided, single submitter. Criteria: LMM Criteria. Collection method: clinical testing. Allele origin: germline. Observed: 1 variant allele.
Comment: The p.Ile25809Thr variant in TTN has not been previously reported in individuals with cardiomyopathy or in large population studies. Computational prediction to ols and conservation analysis do not provide strong support for or against an im pact to the protein. In summary, the clinical significance of the p.Ile25809Thr variant is uncertain.